The following is an entry in ClinVar:

ClinVar aggregate classification (germline): Likely pathogenic (1 of 4 stars; one submission).

Submission:

Labcorp Genetics (formerly Invitae), Labcorp
Classification: Likely pathogenic. Last evaluated: 2023-12-03. Review status: criteria provided, single submitter. Criteria: Invitae Variant Classification Sherloc (09022015). Collection method: clinical testing. Allele origin: germline.
Comment: This sequence change affects a donor splice site in intron 6 of the MAGED2 gene. It is expected to disrupt RNA splicing. Variants that disrupt the donor or acceptor splice site typically lead to a loss of protein function (PMID: 16199547), and loss-of-function variants in MAGED2 are known to be pathogenic (PMID: 27120771). This variant is not present in population databases (gnomAD no frequency). This variant has not been reported in the literature in individuals affected with MAGED2-related conditions. Algorithms developed to predict the effect of sequence changes on RNA splicing suggest that this variant may disrupt the consensus splice site. In summary, the currently available evidence indicates that the variant is pathogenic, but additional data are needed to prove that conclusively. Therefore, this variant has been classified as Likely Pathogenic.

Literature cited by the submitters: PubMed 16199547; PubMed 27120771.

NM_177433.3(MAGED2):c.990+1G>A

Gene: MAGED2 (MAGE family member D2; plus strand). Cytogenetic location: Xp11.21.
Variant type: single nucleotide variant.
Coding change: c.990+1G>A on transcript NM_177433.3 (MANE Select); the canonical splice donor site of the intron after coding-DNA position 990, G replaced by A.
Molecular consequence: splice donor variant.
Genome position (GRCh38, 1-based): chrX:54,811,654, G>A. VCF-style: chrX-54811654-G-A. GRCh37 (hg19) VCF-style: chrX-54838087-G-A.
Other names: c.990+1G>A (NM_014599.6, NM_201222.3).
Identifiers: ClinVar variation 2700715 (VCV002700715.3), dbSNP rs2519305695, ClinGen allele CA413272201.